The following is an entry in ClinVar:

NM_000059.4(BRCA2):c.6327dup (p.Asp2110Ter)

Gene: BRCA2 (BRCA2 DNA repair associated; plus strand). Cytogenetic location: 13q13.1.
Variant type: Duplication.
Coding change: c.6327dup on transcript NM_000059.4 (MANE Select); coding-DNA position 6327, one base duplicated (T; older notation c.6327dupT).
Protein change: p.Asp2110Ter; replaces aspartic acid 2110 with a stop codon.
Molecular consequence: nonsense.
Genome position (GRCh38, 1-based): chr13:32,340,682, T duplicated; the last of 2 consecutive T bases (chr13:32,340,681-32,340,682); duplicating either gives the same sequence. VCF-style (leftmost placement, unchanged base first): chr13-32340680-G-GT. GRCh37 (hg19) VCF-style: chr13-32914817-G-GT.
Other names: c.6327dupT (NM_000059.3); short protein forms D2110*.
Identifiers: ClinVar variation 483031 (VCV000483031.11), dbSNP rs1555284637, ClinGen allele CA658656328.

ClinVar aggregate classification (germline): Pathogenic. Review status: criteria provided, multiple submitters, no conflicts (2 of 4 stars). 2 submissions from 2 submitters: Pathogenic (2). Last evaluated 2025-09-04.

Conditions:
Hereditary breast ovarian cancer syndrome. Also called: Hereditary breast and ovarian cancer syndrome; Hereditary breast and ovarian cancer; Hereditary breast and ovarian cancer syndrome (HBOC); Breast and ovarian cancer; Hereditary breast and/or ovarian cancer syndrome; BRCA1- and BRCA2-Associated Hereditary Breast and Ovarian Cancer. Identifiers: Orphanet 145, MedGen C0677776, MeSH D061325, MONDO:0003582. Disease mechanism: loss of function.
Hereditary cancer-predisposing syndrome. Also called: Neoplastic Syndromes, Hereditary; Tumor predisposition; Hereditary Cancer Syndrome; Hereditary neoplastic syndrome. Identifiers: Orphanet 140162, MedGen C0027672, MeSH D009386, MONDO:0015356.

Submissions (2):

Ambry Genetics
Classification: Pathogenic for Hereditary cancer-predisposing syndrome. Last evaluated: 2025-09-04. Review status: criteria provided, single submitter. Criteria: Ambry Variant Classification Scheme 2023. Collection method: clinical testing. Allele origin: germline.
Comment: The c.6327dupT pathogenic mutation, located in coding exon 10 of the BRCA2 gene, results from a duplication of T at nucleotide position 6327, causing a translational frameshift with a predicted alternate stop codon (p.D2110*). This variant is considered to be rare based on population cohorts in the Genome Aggregation Database (gnomAD). This alteration is expected to result in loss of function by premature protein truncation or nonsense-mediated mRNA decay. As such, this alteration is interpreted as a disease-causing mutation.

Labcorp Genetics (formerly Invitae), Labcorp
Classification: Pathogenic for Hereditary breast ovarian cancer syndrome. Last evaluated: 2023-05-14. Review status: criteria provided, single submitter. Criteria: Invitae Variant Classification Sherloc (09022015). Collection method: clinical testing. Allele origin: germline.
Comment: For these reasons, this variant has been classified as Pathogenic. ClinVar contains an entry for this variant (Variation ID: 483031). This variant has not been reported in the literature in individuals affected with BRCA2-related conditions. This variant is not present in population databases (gnomAD no frequency). This sequence change creates a premature translational stop signal (p.Asp2110*) in the BRCA2 gene. It is expected to result in an absent or disrupted protein product. Loss-of-function variants in BRCA2 are known to be pathogenic (PMID: 20104584).

Literature cited by the submitters: PubMed 20104584 (cited by Labcorp Genetics (formerly Invitae), Labcorp).